The following is an entry in ClinVar:

ClinVar aggregate classification (germline): Uncertain significance. Review status: criteria provided, multiple submitters, no conflicts (2 of 4 stars). 2 submissions from 2 submitters: Uncertain significance (2). Last evaluated 2025-07-28.

Conditions:
Malignant hyperthermia, susceptibility to, 1 (MHS1). Also called: Anesthesia related hyperthermia; Malignant hyperpyrexia; Fulminating hyperpyrexia; Pharmacogenic myopathy; RYR1-Related Malignant Hyperthermia Susceptibility; Malignant hyperthermia suceptibility 1. Identifiers: Orphanet 423, MedGen C2930980, MONDO:0007783, OMIM 145600.
RYR1-related disorder. Also called: RYR1-related condition; RYR1-related disorders. Identifiers: MedGen CN239331.

Allele frequency attached by ClinVar (database versions not stated): gnomAD 0.00001; TOPMed 0.00001.
gnomAD v4.1: 16 of 1,613,726 alleles (0.00099%); highest among the groups gnomAD compares: East Asian, 0.0022%; no homozygotes.

Submissions (2):

Color Diagnostics, LLC DBA Color Health
Classification: Uncertain significance for Malignant hyperthermia, susceptibility to, 1. Last evaluated: 2025-07-28. Review status: criteria provided, single submitter. Criteria: ACMG Guidelines, 2015. Collection method: clinical testing. Allele origin: germline.
Comment: This missense variant replaces asparagine with serine at codon 3313 of the RYR1 protein. Computational prediction suggests that this variant may not impact protein structure and function. To our knowledge, functional studies have not been reported for this variant. This variant has not been reported in individuals affected with RYR1-related disorders in the literature. This variant has not been identified in the general population by the Genome Aggregation Database (gnomAD). The available evidence is insufficient to determine the role of this variant in disease conclusively. Therefore, this variant is classified as a Variant of Uncertain Significance.

Labcorp Genetics (formerly Invitae), Labcorp
Classification: Uncertain significance for RYR1-related disorder. Last evaluated: 2022-05-25. Review status: criteria provided, single submitter. Criteria: Invitae Variant Classification Sherloc (09022015). Collection method: clinical testing. Allele origin: germline.
Comment: This sequence change replaces asparagine, which is neutral and polar, with serine, which is neutral and polar, at codon 3313 of the RYR1 protein (p.Asn3313Ser). This variant is not present in population databases (gnomAD no frequency). This variant has not been reported in the literature in individuals affected with RYR1-related conditions. Advanced modeling of protein sequence and biophysical properties (such as structural, functional, and spatial information, amino acid conservation, physicochemical variation, residue mobility, and thermodynamic stability) performed at Invitae indicates that this missense variant is not expected to disrupt RYR1 protein function. Algorithms developed to predict the effect of sequence changes on RNA splicing suggest that this variant may create or strengthen a splice site. In summary, the available evidence is currently insufficient to determine the role of this variant in disease. Therefore, it has been classified as a Variant of Uncertain Significance.

NM_000540.3(RYR1):c.9938A>G (p.Asn3313Ser)

Gene: RYR1 (ryanodine receptor 1; plus strand). Cytogenetic location: 19q13.2.
Variant type: single nucleotide variant.
Coding change: c.9938A>G on transcript NM_000540.3 (MANE Select); coding-DNA position 9938, A replaced by G.
Protein change: p.Asn3313Ser; replaces asparagine 3313 with serine.
Molecular consequence: missense variant.
Genome position (GRCh38, 1-based): chr19:38,517,611, A>G. VCF-style: chr19-38517611-A-G. GRCh37 (hg19) VCF-style: chr19-39008251-A-G.
Other names: c.9938A>G, p.Asn3313Ser (NM_001042723.2); short protein forms N3313S.
Identifiers: ClinVar variation 2173315 (VCV002173315.2), dbSNP rs1600891688, ClinGen allele CA405692897.